The following is an entry in ClinVar:

ClinVar aggregate classification (germline): Uncertain significance (1 of 4 stars; one submission).

gnomAD v4.1: 6 of 1,614,156 alleles (0.00037%); highest among the groups gnomAD compares: Non-Finnish European, 0.00051%; no homozygotes.

Submission:

Women's Health and Genetics/Laboratory Corporation of America, LabCorp
Classification: Uncertain significance. Last evaluated: 2025-05-19. Review status: criteria provided, single submitter. Criteria: LabCorp Variant Classification Summary - May 2015. Collection method: clinical testing. Allele origin: germline.
Comment: Variant summary: HNF4A c.701C>T (p.Pro234Leu) results in a non-conservative amino acid change in the encoded protein sequence. Algorithms developed to predict the effect of missense changes on protein structure and function all suggest that this variant is likely to be disruptive. The variant was absent in 251346 control chromosomes. The available data on variant occurrences in the general population are insufficient to allow any conclusion about variant significance. To our knowledge, no occurrence of c.701C>T in individuals affected with Maturity Onset Diabetes Of The Young 1/Neonatal Diabetes Mellitus and no experimental evidence demonstrating its impact on protein function have been reported. No submitters have cited clinical-significance assessments for this variant to ClinVar. Based on the evidence outlined above, the variant was classified as uncertain significance.

NM_175914.5(HNF4A):c.701C>T (p.Pro234Leu)

Gene: HNF4A (hepatocyte nuclear factor 4 alpha; plus strand). Cytogenetic location: 20q13.12.
Variant type: single nucleotide variant.
Coding change: c.701C>T on transcript NM_175914.5 (MANE Select); coding-DNA position 701, C replaced by T.
Protein change: p.Pro234Leu; replaces proline 234 with leucine.
Molecular consequence: missense variant.
Genome position (GRCh38, 1-based): chr20:44,419,751, C>T. VCF-style: chr20-44419751-C-T. GRCh37 (hg19) VCF-style: chr20-43048391-C-T.
Other names: c.767C>T, p.Pro256Leu (NM_000457.6, NM_178849.3, NM_178850.3); c.701C>T, p.Pro234Leu (NM_001030003.3, NM_001030004.3); c.746C>T, p.Pro249Leu (NM_001258355.2); c.692C>T, p.Pro231Leu (NM_001287182.2, NM_001287183.2, NM_001287184.2); short protein forms P231L, P234L, P249L, P256L.
Identifiers: ClinVar variation 3902132 (VCV003902132.1).